The following is an entry in ClinVar:

ClinVar aggregate classification (germline): Uncertain significance (1 of 4 stars; one submission).

Conditions:
Familial sleep-related hypermotor epilepsy. Also called: Autosomal Dominant Sleep-Related Hypermotor (Hyperkinetic) Epilepsy. Identifiers: Orphanet 98784, MedGen C3696898, MONDO:0000030.

Submission:

Labcorp Genetics (formerly Invitae), Labcorp
Classification: Uncertain significance. Last evaluated: 2024-04-27. Review status: criteria provided, single submitter. Criteria: Invitae Variant Classification Sherloc (09022015). Collection method: clinical testing. Allele origin: germline.
Comment: This variant, c.1086_1091dup, results in the insertion of 2 amino acid(s) of the CHRNB2 protein (p.Leu363_Arg364dup), but otherwise preserves the integrity of the reading frame. This variant is present in population databases (rs781654245, gnomAD 0.007%). This variant has not been reported in the literature in individuals affected with CHRNB2-related conditions. ClinVar contains an entry for this variant (Variation ID: 949715). Experimental studies and prediction algorithms are not available or were not evaluated, and the functional significance of this variant is currently unknown. In summary, the available evidence is currently insufficient to determine the role of this variant in disease. Therefore, it has been classified as a Variant of Uncertain Significance.

NM_000748.3(CHRNB2):c.1080CCTGCG[3] (p.361LR[3])

Gene: CHRNB2 (cholinergic receptor nicotinic beta 2 subunit; plus strand). Cytogenetic location: 1q21.3.
Variant type: Microsatellite.
Coding change: c.1080CCTGCG[3] on transcript NM_000748.3 (MANE Select); three copies in a row of the 6-base unit CCTGCG starting at c.1080; the reference has two copies in a row; one copy, 6 bases duplicated.
Protein change: p.361LR[3].
Molecular consequence: inframe insertion.
Genome position (GRCh38, 1-based): chr1:154,571,909-154,571,914, CCTGCG duplicated; duplicating any 6 consecutive bases within chr1:154,571,900-154,571,914 gives the same sequence; the position shown is the placement nearest the transcript's 3' end. VCF-style (leftmost placement, unchanged base first): chr1-154571899-A-AGCGCCT. GRCh37 (hg19) VCF-style: chr1-154544375-A-AGCGCCT.
Identifiers: ClinVar variation 949715 (VCV000949715.9), dbSNP rs781654245, ClinGen allele CA1130826.